The following is an entry in ClinVar:

NM_001363.5(DKC1):c.548G>A (p.Arg183Gln)

Gene: DKC1 (dyskerin pseudouridine synthase 1; plus strand). Cytogenetic location: Xq28.
Variant type: single nucleotide variant.
Coding change: c.548G>A on transcript NM_001363.5 (MANE Select); coding-DNA position 548, G replaced by A.
Protein change: p.Arg183Gln; replaces arginine 183 with glutamine.
Molecular consequence: missense variant. On other transcripts: non-coding transcript variant (3).
Genome position (GRCh38, 1-based): chrX:154,767,290, G>A. VCF-style: chrX-154767290-G-A. GRCh37 (hg19) VCF-style: chrX-153995565-G-A.
Other names: c.548G>A, p.Arg183Gln (NM_001142463.3, NM_001288747.2); short protein forms R183Q.
Identifiers: ClinVar variation 3016872 (VCV003016872.3), dbSNP rs2523684905, ClinGen allele CA414890179.

ClinVar aggregate classification (germline): Uncertain significance (1 of 4 stars; one submission).

Conditions:
Dyskeratosis congenita. Identifiers: Orphanet 1775, MedGen C0265965, MONDO:0015780.

Submission:

Labcorp Genetics (formerly Invitae), Labcorp
Classification: Uncertain significance for Dyskeratosis congenita. Last evaluated: 2023-04-22. Review status: criteria provided, single submitter. Criteria: Invitae Variant Classification Sherloc (09022015). Collection method: clinical testing. Allele origin: germline.
Comment: In summary, the available evidence is currently insufficient to determine the role of this variant in disease. Therefore, it has been classified as a Variant of Uncertain Significance. Advanced modeling of protein sequence and biophysical properties (such as structural, functional, and spatial information, amino acid conservation, physicochemical variation, residue mobility, and thermodynamic stability) performed at Invitae indicates that this missense variant is expected to disrupt DKC1 protein function. This variant has not been reported in the literature in individuals affected with DKC1-related conditions. This variant is not present in population databases (gnomAD no frequency). This sequence change replaces arginine, which is basic and polar, with glutamine, which is neutral and polar, at codon 183 of the DKC1 protein (p.Arg183Gln).